The following is an entry in ClinVar:

NM_017633.3(TENT5A):c.1160G>A (p.Arg387Gln)

Gene: TENT5A (terminal nucleotidyltransferase 5A; minus strand). Cytogenetic location: 6q14.1.
Variant type: single nucleotide variant.
Coding change: c.1160G>A on transcript NM_017633.3 (MANE Select); coding-DNA position 1160, G replaced by A.
Protein change: p.Arg387Gln; replaces arginine 387 with glutamine.
Molecular consequence: missense variant.
Genome position (GRCh38, 1-based): chr6:81,749,864, C>T on the plus strand (G>A on the coding strand, the complement: TENT5A is on the minus strand). VCF-style: chr6-81749864-C-T. GRCh37 (hg19) VCF-style: chr6-82459581-C-T.
Other names: short protein forms R387Q.
Identifiers: ClinVar variation 2128234 (VCV002128234.4), dbSNP rs1308914929, ClinGen allele CA365032261.

ClinVar aggregate classification (germline): Uncertain significance (1 of 4 stars; one submission).

Allele frequency attached by ClinVar (database versions not stated): gnomAD exomes below 0.00001.

Submission:

Labcorp Genetics (formerly Invitae), Labcorp
Classification: Uncertain significance. Last evaluated: 2022-07-20. Review status: criteria provided, single submitter. Criteria: Invitae Variant Classification Sherloc (09022015). Collection method: clinical testing. Allele origin: germline.
Comment: In summary, the available evidence is currently insufficient to determine the role of this variant in disease. Therefore, it has been classified as a Variant of Uncertain Significance. Algorithms developed to predict the effect of missense changes on protein structure and function (SIFT, PolyPhen-2, Align-GVGD) all suggest that this variant is likely to be tolerated. This variant has not been reported in the literature in individuals affected with FAM46A-related conditions. This variant is present in population databases (no rsID available, gnomAD 0.006%). This sequence change replaces arginine, which is basic and polar, with glutamine, which is neutral and polar, at codon 387 of the FAM46A protein (p.Arg387Gln).